The following is an entry in ClinVar:

NM_003172.4(SURF1):c.17C>A (p.Ala6Glu)

Gene: SURF1 (SURF1 cytochrome c oxidase assembly factor; minus strand). Cytogenetic location: 9q34.2.
Variant type: single nucleotide variant.
Coding change: c.17C>A on transcript NM_003172.4 (MANE Select); coding-DNA position 17, C replaced by A.
Protein change: p.Ala6Glu; replaces alanine 6 with glutamic acid.
Molecular consequence: missense variant. On other transcripts: 5 prime UTR variant (1).
Genome position (GRCh38, 1-based): chr9:133,356,437, G>T on the plus strand (C>A on the coding strand, the complement: SURF1 is on the minus strand). VCF-style: chr9-133356437-G-T. GRCh37 (hg19) VCF-style: chr9-136223313-G-T.
Other names: c.-259C>A (NM_001280787.1); short protein forms A6E.
Identifiers: ClinVar variation 633443 (VCV000633443.1), dbSNP rs587727919, ClinGen allele CA375695191.

ClinVar aggregate classification (germline): Uncertain significance (1 of 4 stars; one submission).

gnomAD v4.1: 1 of 1,412,654 alleles (0.000071%); highest among the groups gnomAD compares: Non-Finnish European, 0.000092%; no homozygotes.

Submission:

Women's Health and Genetics/Laboratory Corporation of America, LabCorp
Classification: Uncertain significance. Last evaluated: 2018-07-31. Review status: criteria provided, single submitter. Criteria: LabCorp Variant Classification Summary - May 2015. Collection method: clinical testing. Allele origin: germline.
Comment: Variant summary: SURF1 c.17C>A (p.Ala6Glu) results in a non-conservative amino acid change in the encoded protein sequence. Two of four in-silico tools predict a benign effect of the variant on protein function. The variant was absent in 59040 control chromosomes. The available data on variant occurrences in the general population are insufficient to allow any conclusion about variant significance. To our knowledge, no occurrence of c.17C>A in individuals affected with Leigh Syndrome and no experimental evidence demonstrating its impact on protein function have been reported. No clinical diagnostic laboratories have submitted clinical-significance assessments for this variant to ClinVar after 2014. Based on the evidence outlined above, the variant was classified as uncertain significance.